The following is an entry in ClinVar:

ClinVar aggregate classification (germline): Likely benign (1 of 4 stars; one submission).

gnomAD v4.1: 1,479 of 1,613,912 alleles (0.092%); highest among the groups gnomAD compares: East Asian, 1.5%; 9 homozygotes.

Submission:

CeGaT Center for Human Genetics Tuebingen
Classification: Likely benign. Last evaluated: 2024-07-01. Review status: criteria provided, single submitter. Criteria: CeGaT Center For Human Genetics Tuebingen Variant Classification Criteria Version 2. Collection method: clinical testing. Allele origin: germline. Affected: yes. Observed: 1 variant allele.
Comment: JCAD: BP4, BS1

NM_020848.4(JCAD):c.3221T>C (p.Ile1074Thr)

Gene: JCAD (junctional cadherin 5 associated; minus strand). Cytogenetic location: 10p11.23.
Variant type: single nucleotide variant.
Coding change: c.3221T>C on transcript NM_020848.4 (MANE Select); coding-DNA position 3221, T replaced by C.
Protein change: p.Ile1074Thr; replaces isoleucine 1074 with threonine.
Molecular consequence: missense variant.
Genome position (GRCh38, 1-based): chr10:30,026,927, A>G on the plus strand (T>C on the coding strand, the complement: JCAD is on the minus strand). VCF-style: chr10-30026927-A-G. GRCh37 (hg19) VCF-style: chr10-30315856-A-G.
Other names: c.2807T>C, p.Ile936Thr (NM_001350001.2, NM_001350021.2); c.3221T>C, p.Ile1074Thr (NM_001350022.2); short protein forms I1074T, I936T.
Identifiers: ClinVar variation 3256971 (VCV003256971.17).